The following is an entry in ClinVar:

NM_000492.4(CFTR):c.3522A>C (p.Lys1174Asn)

Genes: CFTR-AS2 (CFTR antisense RNA 2; minus strand), CFTR (CF transmembrane conductance regulator; plus strand). Cytogenetic location: 7q31.2.
Variant type: single nucleotide variant.
Coding change: c.3522A>C on transcript NM_000492.4 (MANE Select); coding-DNA position 3522, A replaced by C.
Protein change: p.Lys1174Asn; replaces lysine 1174 with asparagine.
Molecular consequence: missense variant.
Genome position (GRCh38, 1-based): chr7:117,627,575, A>C. VCF-style: chr7-117627575-A-C. GRCh37 (hg19) VCF-style: chr7-117267629-A-C.
Other names: short protein forms K1174N.
Identifiers: ClinVar variation 4868850 (VCV004868850.1).

ClinVar aggregate classification (germline): Uncertain significance (1 of 4 stars; one submission).

Conditions:
Cystic fibrosis (CF). Also called: MUCOVISCIDOSIS. Identifiers: Orphanet 586, MedGen C0010674, MONDO:0009061, OMIM 219700. Disease mechanism: loss of function.

Submission:

Ambry Genetics
Classification: Uncertain significance for Cystic fibrosis. Last evaluated: 2026-05-15. Review status: criteria provided, single submitter. Criteria: Ambry Variant Classification Scheme 2023. Collection method: clinical testing. Allele origin: germline.
Comment: The p.K1174N variant (also known as c.3522A>C), located in coding exon 22 of the CFTR gene, results from an A to C substitution at nucleotide position 3522. The lysine at codon 1174 is replaced by asparagine, an amino acid with similar properties. This amino acid position is conserved. In addition, this alteration is predicted to be tolerated by in silico analysis. Based on the available evidence, the clinical significance of this variant remains unclear.